The following is an entry in ClinVar:

ClinVar aggregate classification (germline): Benign. Review status: criteria provided, single submitter (1 of 4 stars). 2 submissions from 2 submitters: Benign (1). 1 of the submissions does not count toward it. Last evaluated 2026-01-14.

Conditions:
MRTFA-related disorder. Also called: MRTFA-related condition.

Allele frequency attached by ClinVar (database versions not stated): gnomAD exomes 0.00006 and 0.00030; gnomAD 0.00010 and 0.00012; TOPMed 0.00027; 1000 Genomes Project 30x 0.00031; ExAC 0.00033; 1000 Genomes Project 0.00040.
gnomAD v4.1: 104 of 1,596,904 alleles (0.0065%); highest among the groups gnomAD compares: Admixed American, 0.18%; no homozygotes.

Submissions (2):

Labcorp Genetics (formerly Invitae), Labcorp
Classification: Benign. Last evaluated: 2026-01-14. Review status: criteria provided, single submitter. Criteria: Invitae Variant Classification Sherloc (09022015). Collection method: clinical testing. Allele origin: germline.

PreventionGenetics, part of Exact Sciences
Classification: Likely benign for MRTFA-related condition. Last evaluated: 2024-02-01. Review status: no assertion criteria provided. Collection method: clinical testing. Allele origin: germline. Not counted in ClinVar's aggregate classification.
Comment: This variant is classified as likely benign based on ACMG/AMP sequence variant interpretation guidelines (Richards et al. 2015 PMID: 25741868, with internal and published modifications).

NM_020831.6(MRTFA):c.774C>G (p.Thr258=)

Gene: MRTFA (myocardin related transcription factor A; minus strand). Cytogenetic location: 22q13.1.
Variant type: single nucleotide variant.
Coding change: c.774C>G on transcript NM_020831.6 (MANE Select); coding-DNA position 774, C replaced by G.
Protein change: p.Thr258=; no amino-acid change (threonine 258 retained).
Molecular consequence: synonymous variant.
Genome position (GRCh38, 1-based): chr22:40,424,209, G>C on the plus strand (C>G on the coding strand, the complement: MRTFA is on the minus strand). VCF-style: chr22-40424209-G-C. GRCh37 (hg19) VCF-style: chr22-40820213-G-C.
Other names: c.474C>G (NM_020831.4); c.474C>G, p.Thr158= (NM_001282660.2); c.774C>G, p.Thr258= (NM_001282661.3, NM_001282662.3); c.579C>G, p.Thr193= (NM_001318139.2).
Identifiers: ClinVar variation 1683147 (VCV001683147.10), dbSNP rs199684195, ClinGen allele CA10249879.